The following is an entry in ClinVar:

ClinVar aggregate classification (germline): Uncertain significance (1 of 4 stars; one submission).

Conditions:
Hereditary cancer-predisposing syndrome. Also called: Hereditary Cancer Syndrome; Neoplastic Syndromes, Hereditary; Tumor predisposition; Hereditary neoplastic syndrome. Identifiers: Orphanet 140162, MedGen C0027672, MeSH D009386, MONDO:0015356.

Submission:

Color Diagnostics, LLC DBA Color Health
Classification: Uncertain significance for Hereditary cancer-predisposing syndrome. Last evaluated: 2023-12-05. Review status: criteria provided, single submitter. Criteria: ACMG Guidelines, 2015. Collection method: clinical testing. Allele origin: germline.
Comment: This missense variant replaces glutamic acid with glycine at codon 2177 of the APC protein. Computational prediction suggests that this variant may not impact protein structure and function (internally defined REVEL score threshold <= 0.5, PMID: 27666373). To our knowledge, functional studies have not been reported for this variant. This variant has not been reported in individuals affected with APC-related disorders in the literature. This variant has not been identified in the general population by the Genome Aggregation Database (gnomAD). The available evidence is insufficient to determine the role of this variant in disease conclusively. Therefore, this variant is classified as a Variant of Uncertain Significance.

NM_000038.6(APC):c.6530A>G (p.Glu2177Gly)

Gene: APC (APC regulator of Wnt signaling pathway; plus strand). Cytogenetic location: 5q22.2.
Variant type: single nucleotide variant.
Coding change: c.6530A>G on transcript NM_000038.6 (MANE Select); coding-DNA position 6530, A replaced by G.
Protein change: p.Glu2177Gly; replaces glutamic acid 2177 with glycine.
Molecular consequence: missense variant.
Genome position (GRCh38, 1-based): chr5:112,842,124, A>G. VCF-style: chr5-112842124-A-G. GRCh37 (hg19) VCF-style: chr5-112177821-A-G.
Other names: c.6530A>G, p.Glu2177Gly (NM_001127510.3, NM_001354895.2); c.6476A>G, p.Glu2159Gly (NM_001127511.3); c.6584A>G, p.Glu2195Gly (NM_001354896.2); c.6560A>G, p.Glu2187Gly (NM_001354897.2); c.6455A>G, p.Glu2152Gly (NM_001354898.2); c.6446A>G, p.Glu2149Gly (NM_001354899.2); c.6407A>G, p.Glu2136Gly (NM_001354900.2); c.6353A>G, p.Glu2118Gly (NM_001354901.2); and 5 more; short protein forms E2159G, E2177G, E1894G, E2076G, E2086G, E2051G, E2118G, E2152G.
Identifiers: ClinVar variation 490338 (VCV000490338.6), dbSNP rs1554087509, ClinGen allele CA16035617.